The following is an entry in ClinVar:

ClinVar aggregate classification (germline): Benign/Likely benign. Review status: criteria provided, multiple submitters, no conflicts (2 of 4 stars). 6 submissions from 6 submitters: Benign (2); Likely benign (3). 1 of the submissions does not count toward it. Last evaluated 2026-06-01.

Conditions:
Inborn genetic diseases. Identifiers: MedGen C0950123, MeSH D030342.
CHD2-related disorder. Also called: CHD2-related condition.
Developmental and epileptic encephalopathy 94 (DEE94). Also called: Epileptic encephalopathy, childhood-onset; CHD2-Related Neurodevelopmental Disorders. Identifiers: Orphanet 1942, Orphanet 2382, MedGen C3809278, MONDO:0014150, OMIM 615369.

Allele frequency attached by ClinVar (database versions not stated): gnomAD exomes 0.00016 and 0.00044; gnomAD 0.00022 and 0.00023; TOPMed 0.00025; ExAC 0.00028; ESP Exome Variant Server 0.00031.
gnomAD v4.1: 304 of 1,611,290 alleles (0.019%); highest among the groups gnomAD compares: Admixed American, 0.01%; 1 homozygote.

Submissions (6):

CeGaT Center for Human Genetics Tuebingen
Classification: Likely benign. Last evaluated: 2026-06-01. Review status: criteria provided, single submitter. Criteria: CeGaT Center For Human Genetics Tuebingen Variant Classification Criteria Version 2. Collection method: clinical testing. Allele origin: germline. Affected: yes. Observed: 3 variant alleles.
Comment: CHD2: PP2, BS1

Labcorp Genetics (formerly Invitae), Labcorp
Classification: Benign for Developmental and epileptic encephalopathy 94. Last evaluated: 2025-12-03. Review status: criteria provided, single submitter. Criteria: Invitae Variant Classification Sherloc (09022015). Collection method: clinical testing. Allele origin: germline.

Blueprint Genetics
Classification: Likely benign. Last evaluated: 2024-11-25. Review status: criteria provided, single submitter. Criteria: ACMG Guidelines, 2015. Collection method: clinical testing. Allele origin: germline.

GeneDx
Classification: Benign. Last evaluated: 2019-01-24. Review status: criteria provided, single submitter. Criteria: GeneDx Variant Classification Process June 2021. Collection method: clinical testing. Allele origin: germline. Affected: yes.

Ambry Genetics
Classification: Likely benign for Inborn genetic diseases. Last evaluated: 2018-05-18. Review status: criteria provided, single submitter. Criteria: Ambry Variant Classification Scheme 2023. Collection method: clinical testing. Allele origin: germline.

PreventionGenetics, part of Exact Sciences
Classification: Benign for CHD2-related condition. Last evaluated: 2019-08-02. Review status: no assertion criteria provided. Collection method: clinical testing. Allele origin: germline. Not counted in ClinVar's aggregate classification.
Comment: This variant is classified as benign based on ACMG/AMP sequence variant interpretation guidelines (Richards et al. 2015 PMID: 25741868, with internal and published modifications).

NM_001271.4(CHD2):c.3400G>A (p.Ala1134Thr)

Gene: CHD2 (chromodomain helicase DNA binding protein 2; plus strand). Cytogenetic location: 15q26.1.
Variant type: single nucleotide variant.
Coding change: c.3400G>A on transcript NM_001271.4 (MANE Select); coding-DNA position 3400, G replaced by A.
Protein change: p.Ala1134Thr; replaces alanine 1134 with threonine.
Molecular consequence: missense variant.
Genome position (GRCh38, 1-based): chr15:92,985,660, G>A. VCF-style: chr15-92985660-G-A. GRCh37 (hg19) VCF-style: chr15-93528890-G-A.
Other names: short protein forms A1134T.
Identifiers: ClinVar variation 382649 (VCV000382649.45), dbSNP rs147466101, ClinGen allele CA7748195.